The following is an entry in ClinVar:

ClinVar aggregate classification (germline): Benign/Likely benign. Review status: criteria provided, multiple submitters, no conflicts (2 of 4 stars). 4 submissions from 4 submitters: Benign (1); Likely benign (3). Last evaluated 2025-09-04.

Conditions:
Familial cancer of breast. Also called: Hereditary breast cancer; BREAST CANCER, FAMILIAL; hereditary breast carcinoma. Identifiers: Orphanet 227535, MedGen C0346153, MONDO:0016419, OMIM 114480. Disease mechanism: loss of function.
Hereditary cancer-predisposing syndrome. Also called: Tumor predisposition; Neoplastic Syndromes, Hereditary; Hereditary neoplastic syndrome; Hereditary Cancer Syndrome. Identifiers: Orphanet 140162, MedGen C0027672, MeSH D009386, MONDO:0015356.

Allele frequency attached by ClinVar (database versions not stated): gnomAD exomes below 0.00001 and 0.00001; gnomAD 0.00001; TOPMed 0.00002.

Submissions (4):

Labcorp Genetics (formerly Invitae), Labcorp
Classification: Likely benign for Familial cancer of breast. Last evaluated: 2025-09-04. Review status: criteria provided, single submitter. Criteria: Invitae Variant Classification Sherloc (09022015). Collection method: clinical testing. Allele origin: germline.

Myriad Genetics, Inc.
Classification: Benign for Familial cancer of breast. Last evaluated: 2025-01-14. Review status: criteria provided, single submitter. Criteria: Myriad Autosomal Dominant, Autosomal Recessive and X-Linked Classification Criteria (2023). Collection method: clinical testing. Allele origin: unknown.
Comment: This variant is considered benign. This variant is a silent/synonymous amino acid change and it is not expected to impact splicing.

Color Diagnostics, LLC DBA Color Health
Classification: Likely benign for Hereditary cancer-predisposing syndrome. Last evaluated: 2017-08-21. Review status: criteria provided, single submitter. Criteria: ACMG Guidelines, 2015. Collection method: clinical testing. Allele origin: germline.

Ambry Genetics
Classification: Likely benign for Hereditary cancer-predisposing syndrome. Last evaluated: 2016-08-03. Review status: criteria provided, single submitter. Criteria: Ambry Variant Classification Scheme 2023. Collection method: clinical testing. Allele origin: germline.

NM_024675.4(PALB2):c.1734T>C (p.Ser578=)

Gene: PALB2 (partner and localizer of BRCA2; minus strand). Cytogenetic location: 16p12.2.
Variant type: single nucleotide variant.
Coding change: c.1734T>C on transcript NM_024675.4 (MANE Select); coding-DNA position 1734, T replaced by C.
Protein change: p.Ser578=; no amino-acid change (serine 578 retained).
Molecular consequence: synonymous variant.
Genome position (GRCh38, 1-based): chr16:23,630,420, A>G on the plus strand (T>C on the coding strand, the complement: PALB2 is on the minus strand). VCF-style: chr16-23630420-A-G. GRCh37 (hg19) VCF-style: chr16-23641741-A-G.
Identifiers: ClinVar variation 415987 (VCV000415987.20), dbSNP rs757036149, ClinGen allele CA16615096.